The following is an entry in ClinVar:

NM_001613.4(ACTA2):c.116G>A (p.Arg39His)

Gene: ACTA2 (actin alpha 2, smooth muscle; minus strand). Cytogenetic location: 10q23.31.
Variant type: single nucleotide variant.
Coding change: c.116G>A on transcript NM_001613.4 (MANE Select); coding-DNA position 116, G replaced by A.
Protein change: p.Arg39His; replaces arginine 39 with histidine.
Molecular consequence: missense variant.
Genome position (GRCh38, 1-based): chr10:88,948,815, C>T on the plus strand (G>A on the coding strand, the complement: ACTA2 is on the minus strand). VCF-style: chr10-88948815-C-T. GRCh37 (hg19) VCF-style: chr10-90708572-C-T.
Other names: p.R39H:CGT>CAT; c.116G>A, p.Arg39His (NM_001141945.3, NM_001320855.2, NM_001406462.1 and 7 more transcripts); short protein forms R39H.
Identifiers: ClinVar variation 199666 (VCV000199666.30), dbSNP rs794728021, ClinGen allele CA006825.
Genomic context (GRCh38, chr10:88,948,815, plus strand): 5'-GGAACCTAATCTGTGTCCTGTTATGTTCCAATCATAATTTTCCTCACCTGATGTCTGGGA[C>T]GTCCCACAATGGATGGGAAAACAGCCCTGGGAGCATCGTCCCCAGCAAAGCCGGCCTTAC-3'
Protein context (NP_001604.1, residues 29-49): PRAVFPSIVG[Arg39His]PRHQGVMVGM

ClinVar aggregate classification (germline): Pathogenic/Likely pathogenic. Review status: criteria provided, multiple submitters, no conflicts (2 of 4 stars). 9 submissions from 9 submitters: Pathogenic (5); Likely pathogenic (4). Last evaluated 2025-12-17.

Conditions:
ACTA2-related disorder. Also called: ACTA2-related disorders; ACTA2-related condition.
Familial aortopathy. Identifiers: MedGen CN078214.
Familial thoracic aortic aneurysm and aortic dissection (TAAD). Also called: Thoracic aortic aneurysms and dissections. Identifiers: Orphanet 91387, MedGen C4707243, MONDO:0019625.
Aortic aneurysm, familial thoracic 6 (AAT6). Also called: FAMILIAL THORACIC AORTIC ANEURYSM WITH LIVEDO RETICULARIS AND IRIS FLOCCULI. Identifiers: MedGen C2673186, MONDO:0012730, OMIM 611788.

Submissions (9):

Labcorp Genetics (formerly Invitae), Labcorp
Classification: Pathogenic for Aortic aneurysm, familial thoracic 6. Last evaluated: 2025-12-17. Review status: criteria provided, single submitter. Criteria: Invitae Variant Classification Sherloc (09022015). Collection method: clinical testing. Allele origin: germline.
Comment: This sequence change replaces arginine, which is basic and polar, with histidine, which is basic and polar, at codon 39 of the ACTA2 protein (p.Arg39His). This variant is not present in population databases (gnomAD no frequency). This missense change has been observed in individuals with aortic dissections (PMID: 19409525, 27611364; internal data). It has also been observed to segregate with disease in related individuals. ClinVar contains an entry for this variant (Variation ID: 199666). Invitae Evidence Modeling of protein sequence and biophysical properties (such as structural, functional, and spatial information, amino acid conservation, physicochemical variation, residue mobility, and thermodynamic stability) indicates that this missense variant is not expected to disrupt ACTA2 protein function with a negative predictive value of 80%. This variant disrupts the p.Arg39 amino acid residue in ACTA2. Other variant(s) that disrupt this residue have been determined to be pathogenic (PMID: 21248741, 21733706, 21937134, 24243736, 25644172, 25759435). This suggests that this residue is clinically significant, and that variants that disrupt this residue are likely to be disease-causing. For these reasons, this variant has been classified as Pathogenic.

Ambry Genetics
Classification: Likely pathogenic for Familial thoracic aortic aneurysm and aortic dissection. Last evaluated: 2025-04-30. Review status: criteria provided, single submitter. Criteria: Ambry Variant Classification Scheme 2023. Collection method: clinical testing. Allele origin: germline.
Comment: The p.R39H variant (also known as c.116G>A), located in coding exon 1 of the ACTA2 gene, results from a G to A substitution at nucleotide position 116. The arginine at codon 39 is replaced by histidine, an amino acid with highly similar properties. This variant was identified in one or more individuals with features consistent with ACTA2-related vascular disorders and segregated with disease in at least one family (Guo DC et al, Am. J. Hum. Genet. 2009 May; 84(5):617-27; Regalado ES et al, Am. J. Med. Genet. A 2014 Jan; 164A(1):106-12; Yang H et al. Sci Rep, 2016 09;6:33002; Overwater E et al. Hum. Mutat., 2018 09;39:1173-1192; external communication; Ambry internal data). This variant is considered to be rare based on population cohorts in the Genome Aggregation Database (gnomAD). This amino acid position is highly conserved in available vertebrate species. In addition, this alteration is predicted to be deleterious by in silico analysis. Based on the majority of available evidence to date, this variant is likely to be pathogenic.

Molecular Genetics, Royal Melbourne Hospital
Classification: Pathogenic for Familial thoracic aortic aneurysm and aortic dissection. Last evaluated: 2024-01-05. Review status: criteria provided, single submitter. Criteria: ACMG Guidelines, 2015. Collection method: clinical testing. Allele origin: germline. Inheritance: Autosomal dominant inheritance. Affected: yes.
Comment: This sequence change in ACTA2 is predicted to replace arginine with histidine at codon 39, p.(Arg39His). The arginine residue is highly conserved (100 vertebrates, UCSC), and is located in the SD2 domain (PMID: 19409525). Three alternate residues at position Arg39 (R39) have been previously reported as likely pathogenic/pathogenic suggesting the residue is critical to protein function (ClinVar ID = 199665;1066384; 65449). There is a small physicochemical difference between arginine and histidine. ACTA2, in which the variant was identified, is a gene with a low rate of benign missense variation and where pathogenic missense variants are a common mechanism of disease (gnomAD v2.1). This variant is absent from the population database gnomAD v2.1 and v3.1. This variant has been reported in at least four unrelated individuals with thoracic aortic aneurysm with dissection (TAAD) with/without a history of stroke (PMID:19409525, 27611364, 29907982). The variant has been reported to segregate with TAAD in affected family members from two unrelated families (PMID: 19409525). Computational evidence predicts a deleterious effect for the missense substitution (REVEL = 0.867). Based on the classification scheme RMH Modified ACMG/AMP Guidelines v1.6.1, this variant is classified as PATHOGENIC. Following criteria are met: PM1, PM2_Supporting, PP1_Strong, PP2, PP3, PS4_Supporting

Institute of Human Genetics, University of Leipzig Medical Center
Classification: Pathogenic for Aortic aneurysm, familial thoracic 6. Last evaluated: 2023-12-13. Review status: criteria provided, single submitter. Criteria: ACMG Guidelines, 2015. Collection method: clinical testing. Allele origin: unknown. Inheritance: Autosomal dominant inheritance. Affected: yes.
Comment: Criteria applied: PM5_STR,PS4_MOD,PM2,PP2,PP3

Blueprint Genetics
Classification: Pathogenic for ACTA2-related disorders. Last evaluated: 2023-06-26. Review status: criteria provided, single submitter. Criteria: ACMG Guidelines, 2015. Collection method: clinical testing. Allele origin: germline. Affected: yes. Observed: 2 variant alleles.

GeneDx
Classification: Likely pathogenic. Last evaluated: 2022-06-09. Review status: criteria provided, single submitter. Criteria: GeneDx Variant Classification Process June 2021. Collection method: clinical testing. Allele origin: germline. Affected: yes.
Comment: Has been reported in association with aortic dissection or aortopathy (Regalado et al., 2014; Yang et al., 2016); Not observed at significant frequency in large population cohorts (gnomAD); In silico analysis supports that this missense variant has a deleterious effect on protein structure/function; This variant is associated with the following publications: (PMID: 19409525, 21248741, 27611364, 26934405, 24243736, 26153420, 20689142, 29907982, 21937134, 21212136)

Women's Health and Genetics/Laboratory Corporation of America, LabCorp
Classification: Likely pathogenic for Familial aortopathy. Last evaluated: 2018-09-24. Review status: criteria provided, single submitter. Criteria: LabCorp Variant Classification Summary - May 2015. Collection method: clinical testing. Allele origin: germline.
Comment: Variant summary: ACTA2 c.116G>A (p.Arg39His) results in a non-conservative amino acid change affecting a highly conserved residue located in the subdomain 2 (SD2) of the encoded protein sequence, whose dynamics are essential for ATP hydrolysis (Guo 2009). Four of five in-silico tools predict a damaging effect of the variant on protein function. The variant was absent in 121750 control chromosomes (ExAC and publication data). The variant has been reported in two unrelated families with multiple affected family members who had TAAD, Type A or Type B aortic dissection, coronary artery disease, patent ductus arteriosus, and/or stroke (Guo 2009), however, only ACTA2 was screened for in these families, and one unaffected individual, above the average age of onset for aortopathy (20 y/o), from each family was identified as a carrier of R39H. After contacting the corresponding author for this paper, they indicated that there has been no addtional follow-up with the discordant members from the two families carrying the variant of interest since the publication. A missense variant at the same position, R39C, was reported in patients with aortic aneurysm or mild aortic dilatation and insufficiency, indicating that R39 is a critical amino acid and changes at this position could affect function of ACTA2 (Hoffjan 2011). These data indicate that the variant is very likely to be associated with disease. To our knowledge, no experimental evidence demonstrating an impact on protein function has been reported. Three clinical diagnostic laboratories have submitted clinical-significance assessments for this variant to ClinVar after 2014 without evidence for independent evaluation (classifying the variant as Pathogenic, Likely pathogenic or VUS). Based on the evidence outlined above, the variant was classified as likely pathogenic.

CHEO Genetics Diagnostic Laboratory, Children's Hospital of Eastern Ontario
Classification: Likely pathogenic for Familial thoracic aortic aneurysm and aortic dissection. Last evaluated: 2016-10-04. Review status: criteria provided, single submitter. Criteria: ACMG Guidelines, 2015. Collection method: clinical testing. Allele origin: germline. Study: Canadian Open Genetics Repository.

Juno Genomics, Hangzhou Juno Genomics, Inc
Classification: Pathogenic for Aortic aneurysm, familial thoracic 6. Review status: criteria provided, single submitter. Criteria: ACMG Guidelines, 2015. Collection method: clinical testing. Allele origin: germline. Affected: yes.
Comment: Absent from controls (or at extremely low frequency if recessive) in Genome Aggregation Database, Exome Sequencing Project, 1000 Genomes Project, or Exome Aggregation Consortium.;Multiple lines of computational evidence support a deleterious effect on the gene or gene product (conservation, evolutionary, splicing impact, etc).;Missense variant in a gene that has a low rate of benign missense variation and where missense variants are a common mechanism of disease.;The prevalence of the variant in affected individuals is significantly increased compared to the prevalence in controls.;Novel missense change at an amino acid residue where a different missense change determined to be pathogenic has been seen before.;Patient's phenotype or family history is highly specific for a disease with a single genetic etiology.

Literature cited by the submitters: PubMed 19409525 (cited by 4 submitters); PubMed 27611364 (cited by 4 submitters); PubMed 21248741 (cited by Labcorp Genetics (formerly Invitae), Labcorp and Women's Health and Genetics/Laboratory Corporation of America, LabCorp); PubMed 21733706 (cited by Labcorp Genetics (formerly Invitae), Labcorp); PubMed 21937134 (cited by Labcorp Genetics (formerly Invitae), Labcorp and Women's Health and Genetics/Laboratory Corporation of America, LabCorp); PubMed 24243736 (cited by 3 submitters); PubMed 25644172 (cited by Labcorp Genetics (formerly Invitae), Labcorp); PubMed 25759435 (cited by Labcorp Genetics (formerly Invitae), Labcorp); PubMed 29907982 (cited by 3 submitters); PubMed 26153420 (cited by Women's Health and Genetics/Laboratory Corporation of America, LabCorp); PubMed 21212136 (cited by Women's Health and Genetics/Laboratory Corporation of America, LabCorp).